The following is an entry in ClinVar:

ClinVar aggregate classification (germline): Pathogenic. Review status: criteria provided, multiple submitters, no conflicts (2 of 4 stars). 2 submissions from 2 submitters: Pathogenic (2). Last evaluated 2024-07-15.

Conditions:
Multiple endocrine neoplasia, type 1 (MEN1). Also called: Endocrine adenomatosis multiple; MEN 1; MEN I; WERMER SYNDROME; MEA I. Identifiers: Orphanet 652, MedGen C0025267, MeSH D018761, MONDO:0007540, OMIM 131100.

Submissions (2):

Labcorp Genetics (formerly Invitae), Labcorp
Classification: Pathogenic for Multiple endocrine neoplasia, type 1. Last evaluated: 2024-07-15. Review status: criteria provided, single submitter. Criteria: Invitae Variant Classification Sherloc (09022015). Collection method: clinical testing. Allele origin: germline.
Comment: This sequence change creates a premature translational stop signal (p.Gln395*) in the MEN1 gene. It is expected to result in an absent or disrupted protein product. Loss-of-function variants in MEN1 are known to be pathogenic (PMID: 12112656, 17853334). This variant is not present in population databases (gnomAD no frequency). This premature translational stop signal has been observed in individual(s) with multiple endocrine neoplasia type 1 (PMID: 16594911). It has also been observed to segregate with disease in related individuals. ClinVar contains an entry for this variant (Variation ID: 988481). Algorithms developed to predict the effect of sequence changes on RNA splicing suggest that this variant may disrupt the consensus splice site. For these reasons, this variant has been classified as Pathogenic.

Clinical Genetics and Genomics, Karolinska University Hospital
Classification: Pathogenic. Last evaluated: 2016-01-14. Review status: criteria provided, single submitter. Criteria: ACMG Guidelines, 2015. Collection method: clinical testing. Allele origin: germline. Affected: yes. Observed: 1 variant allele.

Literature cited by the submitters: PubMed 12112656 (cited by Labcorp Genetics (formerly Invitae), Labcorp); PubMed 17853334 (cited by Labcorp Genetics (formerly Invitae), Labcorp); PubMed 16594911 (cited by Labcorp Genetics (formerly Invitae), Labcorp).

NM_001370259.2(MEN1):c.1183C>T (p.Gln395Ter)

Gene: MEN1 (menin 1; minus strand). Cytogenetic location: 11q13.1.
Variant type: single nucleotide variant.
Coding change: c.1183C>T on transcript NM_001370259.2 (MANE Select); coding-DNA position 1183, C replaced by T.
Protein change: p.Gln395Ter; replaces glutamine 395 with a stop codon.
Molecular consequence: nonsense.
Genome position (GRCh38, 1-based): chr11:64,805,637, G>A on the plus strand (C>T on the coding strand, the complement: MEN1 is on the minus strand). VCF-style: chr11-64805637-G-A. GRCh37 (hg19) VCF-style: chr11-64573109-G-A.
Other names: c.1198C>T, p.Gln400Ter (NM_000244.4, NM_130800.3, NM_130801.3 and 3 more transcripts); c.1309C>T, p.Gln437Ter (NM_001370251.2); c.1183C>T, p.Gln395Ter (NM_001370260.2, NM_001370261.2, NM_130799.3); c.1078C>T, p.Gln360Ter (NM_001370262.2, NM_001370263.2); short protein forms Q360*, Q395*, Q400*, Q437*.
Identifiers: ClinVar variation 988481 (VCV000988481.4), dbSNP rs1941661404, ClinGen allele CA381182005.